The following is an entry in ClinVar:

NM_173076.3(ABCA12):c.6208G>A (p.Val2070Ile)

Genes: ABCA12 (ATP binding cassette subfamily A member 12; minus strand), SNHG31 (small nucleolar RNA host gene 31; plus strand). Cytogenetic location: 2q35.
Variant type: single nucleotide variant.
Coding change: c.6208G>A on transcript NM_173076.3 (MANE Select); coding-DNA position 6208, G replaced by A.
Protein change: p.Val2070Ile; replaces valine 2070 with isoleucine.
Molecular consequence: missense variant. On other transcripts: non-coding transcript variant (1).
Genome position (GRCh38, 1-based): chr2:214,956,688, C>T on the plus strand (G>A on the coding strand, the complement: ABCA12 is on the minus strand). VCF-style: chr2-214956688-C-T. GRCh37 (hg19) VCF-style: chr2-215821412-C-T.
Other names: c.5254G>A, p.Val1752Ile (NM_015657.4); short protein forms V2070I, V1752I.
Identifiers: ClinVar variation 713548 (VCV000713548.47), dbSNP rs145980660, ClinGen allele CA2090972.

ClinVar aggregate classification (germline): Conflicting classifications of pathogenicity. Review status: criteria provided, conflicting classifications (1 of 4 stars). 6 submissions from 6 submitters: Uncertain significance (1); Benign (1); Likely benign (3). 1 of the submissions does not count toward it. Last evaluated 2026-02-04.

Conditions:
ABCA12-related disorder. Also called: ABCA12-related condition.
Congenital ichthyosis of skin. Identifiers: MedGen C0020758.

Allele frequency attached by ClinVar (database versions not stated): 1000 Genomes Project 0.00100; ESP Exome Variant Server 0.00108; 1000 Genomes Project 30x 0.00156; gnomAD 0.00170 and 0.00171; TOPMed 0.00178; ExAC 0.00200.
gnomAD v4.1: 2,953 of 1,613,460 alleles (0.18%); highest among the groups gnomAD compares: Admixed American, 0.21%; 10 homozygotes.

Submissions (6):

Labcorp Genetics (formerly Invitae), Labcorp
Classification: Likely benign. Last evaluated: 2026-02-04. Review status: criteria provided, single submitter. Criteria: Invitae Variant Classification Sherloc (09022015). Collection method: clinical testing. Allele origin: germline.

Women's Health and Genetics/Laboratory Corporation of America, LabCorp
Classification: Likely benign. Last evaluated: 2025-10-13. Review status: criteria provided, single submitter. Criteria: LabCorp Variant Classification Summary - May 2015. Collection method: clinical testing. Allele origin: germline.
Comment: Variant summary: ABCA12 c.6208G>A (p.Val2070Ile) results in a conservative amino acid change in the encoded protein sequence. Algorithms developed to predict the effect of missense changes on protein structure and function are either unavailable or do not agree on the potential impact of this missense change. The variant allele was found at a frequency of 0.002 in 251844 control chromosomes, predominantly at a frequency of 0.002 within the Non-Finnish European subpopulation in the gnomAD database. The observed variant frequency within Non-Finnish European control individuals in the gnomAD database exceeds the estimated maximal expected allele frequency for disease-causing variants in ABCA12. To our knowledge, no occurrence of c.6208G>A in individuals affected with ABCA12-related conditions and no experimental evidence demonstrating its impact on protein function have been reported. ClinVar contains an entry for this variant (Variation ID: 713548). Based on the evidence outlined above, the variant was classified as likely benign.

Blueprint Genetics
Classification: Likely benign. Last evaluated: 2024-11-23. Review status: criteria provided, single submitter. Criteria: ACMG Guidelines, 2015. Collection method: clinical testing. Allele origin: germline.

CeGaT Center for Human Genetics Tuebingen
Classification: Benign. Last evaluated: 2024-02-01. Review status: criteria provided, single submitter. Criteria: CeGaT Center For Human Genetics Tuebingen Variant Classification Criteria Version 2. Collection method: clinical testing. Allele origin: germline. Affected: yes. Observed: 4 variant alleles.
Comment: ABCA12: BS1, BS2

Illumina Laboratory Services, Illumina
Classification: Uncertain significance for Congenital ichthyosis of skin. Last evaluated: 2017-04-27. Review status: criteria provided, single submitter. Criteria: ICSL Variant Classification Criteria 13 December 2019. Collection method: clinical testing. Allele origin: germline.

PreventionGenetics, part of Exact Sciences
Classification: Benign for ABCA12-related condition. Last evaluated: 2019-05-01. Review status: no assertion criteria provided. Collection method: clinical testing. Allele origin: germline. Not counted in ClinVar's aggregate classification.
Comment: This variant is classified as benign based on ACMG/AMP sequence variant interpretation guidelines (Richards et al. 2015 PMID: 25741868, with internal and published modifications).

Literature cited by the submitters: PubMed 38791074 (cited by Women's Health and Genetics/Laboratory Corporation of America, LabCorp).